The following is an entry in ClinVar:

ClinVar aggregate classification (germline): Likely benign. Review status: criteria provided, multiple submitters, no conflicts (2 of 4 stars). 2 submissions from 2 submitters: Likely benign (2). Last evaluated 2022-06-17.

Conditions:
Holocarboxylase synthetase deficiency. Also called: MULTIPLE CARBOXYLASE DEFICIENCY, EARLY ONSET. Identifiers: Orphanet 79242, MedGen C0268581, MONDO:0009666, OMIM 253270.

Allele frequency attached by ClinVar (database versions not stated): ExAC 0.00001; gnomAD exomes 0.00001 and 0.00002; TOPMed 0.00001.
gnomAD v4.1: 16 of 1,614,096 alleles (0.00099%); highest among the groups gnomAD compares: Admixed American, 0.0033%; no homozygotes.

Submissions (2):

Labcorp Genetics (formerly Invitae), Labcorp
Classification: Likely benign for Holocarboxylase synthetase deficiency. Last evaluated: 2022-06-17. Review status: criteria provided, single submitter. Criteria: Invitae Variant Classification Sherloc (09022015). Collection method: clinical testing. Allele origin: germline.

GeneDx
Classification: Likely benign. Last evaluated: 2017-09-22. Review status: criteria provided, single submitter. Criteria: GeneDx Variant Classification (06012015). Collection method: clinical testing. Allele origin: germline. Affected: yes.
Comment: This variant is considered likely benign or benign based on one or more of the following criteria: it is a conservative change, it occurs at a poorly conserved position in the protein, it is predicted to be benign by multiple in silico algorithms, and/or has population frequency not consistent with disease.

NM_001352514.2(HLCS):c.477A>C (p.Val159=)

Gene: HLCS (holocarboxylase synthetase; minus strand). Cytogenetic location: 21q22.13.
Variant type: single nucleotide variant.
Coding change: c.477A>C on transcript NM_001352514.2 (MANE Select); coding-DNA position 477, A replaced by C.
Protein change: p.Val159=; no amino-acid change (valine 159 retained).
Molecular consequence: synonymous variant. On other transcripts: non-coding transcript variant (2).
Genome position (GRCh38, 1-based): chr21:36,938,848, T>G on the plus strand (A>C on the coding strand, the complement: HLCS is on the minus strand). VCF-style: chr21-36938848-T-G. GRCh37 (hg19) VCF-style: chr21-38311148-T-G.
Other names: c.36A>C, p.Val12= (NM_000411.8, NM_001242784.3, NM_001242785.2 and 4 more transcripts).
Identifiers: ClinVar variation 511925 (VCV000511925.8), dbSNP rs779019472, ClinGen allele CA10020775.
Genomic context (GRCh38, chr21:36,938,848, plus strand): 5'-GCCACTATGCCTGGCCAATAAAAACATTTTCTAAAGTTACTTACACACAATCTTTTGGGG[T>G]ACCAGTCCATTATCCATGTGGAGTCTATCTTCCATGAACGCCACCCCCAGCTTGCTGAAG-3'
Protein context (NP_001339443.1, residues 149-169): EDRLHMDNGL[Val159=]PQKIVSVHLQ